The following is an entry in ClinVar:

ClinVar aggregate classification (germline): Uncertain significance (1 of 4 stars; one submission).

Submission:

GeneDx
Classification: Uncertain significance. Last evaluated: 2026-02-19. Review status: criteria provided, single submitter. Criteria: GeneDx Variant Classification Process June 2021. Collection method: clinical testing. Allele origin: germline.
Comment: Not observed at significant frequency in large population cohorts (gnomAD); In silico analysis suggests that this missense variant does not alter protein structure/function; Has not been previously published as pathogenic or benign to our knowledge

NM_032892.5(FRMD5):c.1096A>G (p.Arg366Gly)

Gene: FRMD5 (FERM domain containing 5; minus strand). Cytogenetic location: 15q15.3.
Variant type: single nucleotide variant.
Coding change: c.1096A>G on transcript NM_032892.5 (MANE Select); coding-DNA position 1096, A replaced by G.
Protein change: p.Arg366Gly; replaces arginine 366 with glycine.
Molecular consequence: missense variant. On other transcripts: non-coding transcript variant (1).
Genome position (GRCh38, 1-based): chr15:43,883,742, T>C on the plus strand (A>G on the coding strand, the complement: FRMD5 is on the minus strand). VCF-style: chr15-43883742-T-C. GRCh37 (hg19) VCF-style: chr15-44175940-T-C.
Other names: c.814A>G, p.Arg272Gly (NM_001286490.2); c.394A>G, p.Arg132Gly (NM_001286491.2); c.1096A>G, p.Arg366Gly (NM_001322949.2, NM_001322950.2, NM_001411124.1); c.991A>G, p.Arg331Gly (NM_001322951.2); short protein forms R132G, R272G, R331G, R366G.
Identifiers: ClinVar variation 5009752 (VCV005009752.1).